The following is an entry in ClinVar:

ClinVar aggregate classification (germline): Uncertain significance. Review status: criteria provided, multiple submitters, no conflicts (2 of 4 stars). 3 submissions from 3 submitters: Uncertain significance (3). Last evaluated 2025-10-07.

Conditions:
Charcot-Marie-Tooth disease type 4. Also called: Charcot-Marie-Tooth disease, type IV; Charcot-Marie-Tooth, Type 4. Identifiers: Orphanet 64749, MedGen C4082197, MONDO:0018995.
Inborn genetic diseases. Identifiers: MedGen C0950123, MeSH D030342.

Allele frequency attached by ClinVar (database versions not stated): gnomAD exomes 0.00001; TOPMed 0.00003; gnomAD 0.00004; ExAC 0.00006.
gnomAD v4.1: 15 of 1,561,192 alleles (0.00096%); highest among the groups gnomAD compares: African/African-American, 0.0041%; no homozygotes.

Submissions (3):

Ambry Genetics
Classification: Uncertain significance for Inborn genetic diseases. Last evaluated: 2025-10-07. Review status: criteria provided, single submitter. Criteria: Ambry Variant Classification Scheme 2023. Collection method: clinical testing. Allele origin: germline.

Labcorp Genetics (formerly Invitae), Labcorp
Classification: Uncertain significance for Charcot-Marie-Tooth disease type 4. Last evaluated: 2025-04-08. Review status: criteria provided, single submitter. Criteria: Invitae Variant Classification Sherloc (09022015). Collection method: clinical testing. Allele origin: germline.
Comment: This sequence change replaces serine, which is neutral and polar, with phenylalanine, which is neutral and non-polar, at codon 12 of the MTMR2 protein (p.Ser12Phe). This variant is present in population databases (rs755619139, gnomAD 0.006%). This variant has not been reported in the literature in individuals affected with MTMR2-related conditions. ClinVar contains an entry for this variant (Variation ID: 566079). Invitae Evidence Modeling of protein sequence and biophysical properties (such as structural, functional, and spatial information, amino acid conservation, physicochemical variation, residue mobility, and thermodynamic stability) indicates that this missense variant is not expected to disrupt MTMR2 protein function with a negative predictive value of 95%. In summary, the available evidence is currently insufficient to determine the role of this variant in disease. Therefore, it has been classified as a Variant of Uncertain Significance.

GeneDx
Classification: Uncertain significance. Last evaluated: 2023-07-11. Review status: criteria provided, single submitter. Criteria: GeneDx Variant Classification Process June 2021. Collection method: clinical testing. Allele origin: germline. Affected: yes.
Comment: Not observed at significant frequency in large population cohorts (gnomAD); In silico analysis supports that this missense variant does not alter protein structure/function; Has not been previously published as pathogenic or benign to our knowledge

NM_016156.6(MTMR2):c.35C>T (p.Ser12Phe)

Gene: MTMR2 (myotubularin related protein 2; minus strand). Cytogenetic location: 11q21.
Variant type: single nucleotide variant.
Coding change: c.35C>T on transcript NM_016156.6 (MANE Select); coding-DNA position 35, C replaced by T.
Protein change: p.Ser12Phe; replaces serine 12 with phenylalanine.
Molecular consequence: missense variant. On other transcripts: 5 prime UTR variant (3).
Genome position (GRCh38, 1-based): chr11:95,923,920, G>A on the plus strand (C>T on the coding strand, the complement: MTMR2 is on the minus strand). VCF-style: chr11-95923920-G-A. GRCh37 (hg19) VCF-style: chr11-95657084-G-A.
Other names: c.-449C>T (NM_001243571.2); c.-376C>T (NM_201278.3); c.-253C>T (NM_201281.3); short protein forms S12F.
Identifiers: ClinVar variation 566079 (VCV000566079.11), dbSNP rs755619139, ClinGen allele CA6240492.